The following is an entry in ClinVar:

ClinVar aggregate classification (germline): Pathogenic/Likely pathogenic. Review status: criteria provided, multiple submitters, no conflicts (2 of 4 stars). 2 submissions from 2 submitters: Pathogenic (1); Likely pathogenic (1). Last evaluated 2024-01-05.

Conditions:
Curry-Hall syndrome (WAD). Also called: WEYERS ACRODENTAL DYSOSTOSIS. Identifiers: Orphanet 952, MedGen C0457013, MONDO:0008673, OMIM 193530.
Ellis-van Creveld syndrome (EVC). Also called: Chondroectodermal dysplasia; MESOECTODERMAL DYSPLASIA; EVC-Related Ellis-van Creveld Syndrome; EVC2-Related Ellis-van Creveld Syndrome. Identifiers: Orphanet 289, MedGen C0013903, MONDO:0009162, OMIM 225500.

Allele frequency attached by ClinVar (database versions not stated): gnomAD exomes below 0.00001; TOPMed below 0.00001.
gnomAD v4.1: 1 of 1,614,074 alleles (0.000062%); highest among the groups gnomAD compares: Non-Finnish European, 0.000085%; no homozygotes.

Submissions (2):

Labcorp Genetics (formerly Invitae), Labcorp
Classification: Pathogenic for Curry-Hall syndrome; Ellis-van Creveld syndrome. Last evaluated: 2024-01-05. Review status: criteria provided, single submitter. Criteria: Invitae Variant Classification Sherloc (09022015). Collection method: clinical testing. Allele origin: germline.
Comment: This sequence change creates a premature translational stop signal (p.Trp884*) in the EVC2 gene. It is expected to result in an absent or disrupted protein product. Loss-of-function variants in EVC2 are known to be pathogenic (PMID: 17024374, 19810119, 19876929). This variant is not present in population databases (gnomAD no frequency). This premature translational stop signal has been observed in individual(s) with Ellis-van Creveld syndrome (PMID: 19810119). ClinVar contains an entry for this variant (Variation ID: 449552). For these reasons, this variant has been classified as Pathogenic.

GeneDx
Classification: Likely pathogenic. Last evaluated: 2017-06-30. Review status: criteria provided, single submitter. Criteria: GeneDx Variant Classification (06012015). Collection method: clinical testing. Allele origin: germline. Affected: yes.
Comment: The W884X variant in the EVC2 gene has been reported previously in an individual with Ellis-Van Creveld syndrome who also harbored an additional variant in the EVC2 gene, although parental studies were not performed to determine the phase of these two variants (Valencia et al., 2009). This variant is predicted to cause loss of normal protein function either through protein truncation or nonsense-mediated mRNA decay. The W884X variant is not observed in large population cohorts (Lek et al., 2016; 1000 Genomes Consortium et al., 2015; Exome Variant Server). We interpret W884X as a likely pathogenic variant.

Literature cited by the submitters: PubMed 17024374 (cited by Labcorp Genetics (formerly Invitae), Labcorp); PubMed 19810119 (cited by Labcorp Genetics (formerly Invitae), Labcorp); PubMed 19876929 (cited by Labcorp Genetics (formerly Invitae), Labcorp).

NM_147127.5(EVC2):c.2652G>A (p.Trp884Ter)

Gene: EVC2 (EvC ciliary complex subunit 2; minus strand). Cytogenetic location: 4p16.2.
Variant type: single nucleotide variant.
Coding change: c.2652G>A on transcript NM_147127.5 (MANE Select); coding-DNA position 2652, G replaced by A.
Protein change: p.Trp884Ter; replaces tryptophan 884 with a stop codon.
Molecular consequence: nonsense.
Genome position (GRCh38, 1-based): chr4:5,618,532, C>T on the plus strand (G>A on the coding strand, the complement: EVC2 is on the minus strand). VCF-style: chr4-5618532-C-T. GRCh37 (hg19) VCF-style: chr4-5620259-C-T.
Other names: c.2412G>A, p.Trp804Ter (NM_001166136.2); short protein forms W884*, W804*.
Identifiers: ClinVar variation 449552 (VCV000449552.6), dbSNP rs981099037, ClinGen allele CA91696925.
Genomic context (GRCh38, chr4:5,618,532, plus strand): 5'-TCCTACCTGCAGCTCAGGGGCAGCCACGGCCTGGTCCAGCTTCACGAACTCTGCTTCTCG[C>T]CACGCAGTCTGAAATTGCTGCAGCAGAACTCGGGCCCGGATCTTGGGGAGGGCCAAGCTC-3'